The following is an entry in ClinVar:

NM_001042646.3(TRAK1):c.286+23941C>T

Gene: TRAK1 (trafficking kinesin protein 1; plus strand). Cytogenetic location: 3p22.1.
Variant type: single nucleotide variant.
Coding change: c.286+23941C>T on transcript NM_001042646.3 (MANE Select); 23941 bases into the intron after coding-DNA position 286, C replaced by T.
Molecular consequence: intron variant. On other transcripts: missense variant (4).
Genome position (GRCh38, 1-based): chr3:42,149,555, C>T. VCF-style: chr3-42149555-C-T. GRCh37 (hg19) VCF-style: chr3-42191047-C-T.
Other names: c.20C>T, p.Ala7Val (NM_001265609.2, NM_001265610.1, NM_001349248.1 and 1 more transcripts); c.-27+23941C>T (NM_001349245.1); c.286+23941C>T (NM_001349247.2, NM_001349246.2, NM_001265608.2); short protein forms A7V.
Identifiers: ClinVar variation 1050741 (VCV001050741.1), dbSNP rs1018509561, ClinGen allele CA74306118.

ClinVar aggregate classification (germline): Uncertain significance (0 of 4 stars; one submission).

gnomAD v4.1: 36 of 1,535,910 alleles (0.0023%); highest among the groups gnomAD compares: African/African-American, 0.0041%; no homozygotes.

Submission:

Department of Pathology and Laboratory Medicine, Sinai Health System
Classification: Uncertain significance. Review status: no assertion criteria provided. Collection method: clinical testing. Allele origin: unknown. Affected: yes. Study: The Canadian Open Genetics Repository (COGR).
Comment: The TRAK1 p.Ala7Val variant was not identified in the literature nor was it identified in ClinVar or LOVD 3.0. The variant was identified in dbSNP (ID: rs1018509561) and in control databases in 5 of 168452 chromosomes at a frequency of 0.00002968 (Genome Aggregation Database March 6, 2019, v2.1.1). The variant was observed in the following populations: Latino in 2 of 25310 chromosomes (freq: 0.000079), African in 1 of 15152 chromosomes (freq: 0.000066) and European (non-Finnish) in 2 of 69138 chromosomes (freq: 0.000029), but was not observed in the Ashkenazi Jewish, East Asian, European (Finnish), Other, or South Asian populations. The p.Ala7Val residue is not conserved in mammals and computational analyses (PolyPhen-2, SIFT, AlignGVGD, BLOSUM, MutationTaster) do not suggest a high likelihood of impact to the protein; however, this information is not predictive enough to rule out pathogenicity. The variant occurs outside of the splicing consensus sequence and in silico or computational prediction software programs (SpliceSiteFinder, MaxEntScan, NNSPLICE, GeneSplicer) do not predict a difference in splicing. In summary, based on the above information the clinical significance of this variant cannot be determined with certainty at this time. This variant is classified as a variant of uncertain significance.